The following is an entry in ClinVar:

ClinVar aggregate classification (germline): Pathogenic/Likely pathogenic. Review status: criteria provided, multiple submitters, no conflicts (2 of 4 stars). 59 submissions from 58 submitters: Pathogenic (13); Likely pathogenic (36). 10 of the submissions do not count toward it. Last evaluated 2026-08-06.

Conditions:
CHEK2-related cancer predisposition (TPDS4). Also called: TUMOR PREDISPOSITION SYNDROME 4; CANCER PREDISPOSITION SYNDROME, CHEK2-RELATED; CHEK2-related cancer susceptibility. Identifiers: Orphanet 524, MedGen C5882668, MONDO:0700271, OMIM 609265.
Bone osteosarcoma. Also called: Osteosarcoma, somatic. Identifiers: Orphanet 668, MedGen C0585442, MONDO:0002629, OMIM 259500.
Familial prostate cancer. Also called: Hereditary Prostate Cancer. Identifiers: MedGen C2931456, MONDO:0700275, OMIM 176807.
CHEK2-related disorder.
Inherited breast cancer and ovarian cancer.
Predisposition to cancer.
Breast cancer, susceptibility to. Identifiers: MedGen C3469522. Disease mechanism: gain of function.
Prostate cancer susceptibility. Also called: PROSTATE CANCER, SUSCEPTIBILITY TO. Identifiers: MedGen C3469524.
Hereditary cancer-predisposing syndrome. Also called: Neoplastic Syndromes, Hereditary; Hereditary neoplastic syndrome; Hereditary Cancer Syndrome; Tumor predisposition. Identifiers: Orphanet 140162, MedGen C0027672, MeSH D009386, MONDO:0015356.
Breast and/or ovarian cancer. Identifiers: MedGen CN221562.
Hereditary breast ovarian cancer syndrome. Also called: Breast and ovarian cancer; Hereditary breast and/or ovarian cancer syndrome; Hereditary breast and ovarian cancer syndrome; Hereditary breast and ovarian cancer syndrome (HBOC); Hereditary breast and ovarian cancer; BRCA1- and BRCA2-Associated Hereditary Breast and Ovarian Cancer. Identifiers: Orphanet 145, MedGen C0677776, MeSH D061325, MONDO:0003582. Disease mechanism: loss of function.
Familial cancer of breast. Also called: BREAST CANCER, FAMILIAL; hereditary breast carcinoma; Hereditary breast cancer. Identifiers: Orphanet 227535, MedGen C0346153, MONDO:0016419, OMIM 114480. Disease mechanism: loss of function.
Malignant tumor of breast. Also called: Cancer breast; Malignant breast neoplasm. Identifiers: MedGen C0006142, MONDO:0007254. Disease mechanism: loss of function.

Allele frequency attached by ClinVar (database versions not stated): gnomAD 0.00009; TOPMed 0.00011; gnomAD exomes 0.00012 and 0.00019; ExAC 0.00013; ESP Exome Variant Server 0.00015.
gnomAD v4.1: 295 of 1,613,986 alleles (0.018%); highest among the groups gnomAD compares: Non-Finnish European, 0.023%; no homozygotes.

Submissions 1 to 11 of 59:

OLLIN Analises Genomicas, OLLIN
Classification: Pathogenic for CHEK2-related cancer predisposition. Last evaluated: 2026-08-06. Review status: criteria provided, single submitter. Criteria: ACMG Guidelines 2015 PMID 25741868. Collection method: clinical testing. Allele origin: germline.
Comment: This missense variant, located in exon 3 (of 15), has been reported in ClinVar (accession VCV001732016.5), in gnomAD with an allele frequency of 0.018%, and in the scientific literature, segregating with the phenotype, in individuals with CHEK2 related disorders (PMID: 18725978, 22419737, 30851065, 16835864, 16982735, 12454775, 15095295, 21244692, 26681312, 28125075, 29439820, 29659569, 29945567, 30322717, 30256826, 28709830, 30426508, 31090900, 31263054, 31206626, 32906215, 30676620). Functional studies suggest that this variant may affect protein function, and in silico analysis predicts a deleterious effect (PMID: 18725978, 22419737, 30851065, 16835864, 16982735). According to the currently available evidence, this variant has been classified as pathogenic (PS3, PS4, PP1, PP3_M).

PreventionGenetics, part of Exact Sciences
Classification: Likely pathogenic for CHEK2-related condition. Last evaluated: 2026-07-21. Review status: criteria provided, single submitter. Criteria: ACMG Guidelines, 2015. Collection method: clinical testing. Allele origin: germline.
Comment: The CHEK2 c.349A>G variant is predicted to result in the amino acid substitution p.Arg117Gly. This is a well-documented variant reported in multiple individuals with cancers of breast, colon, skin, kidneys, thyroid, ovaries and prostate gland (Table S1, Susswein et al. 2016. PubMed ID: 26681312; Southey et al. 2016. PubMed ID: 27595995). Functional studies indicate impaired CHEK2 function, specifically the kinase activity and DNA damage response (Chrisanthar et al. 2008. PubMed ID: 18725978; Roeb et al. 2012. PubMed ID: 22419737). The Arg117 residue, located within the forkhead-associated domain of the CHEK2 protein, has been highly conserved during evolution. This variant is reported in 0.019% of alleles in individuals of European (Non-Finnish) descent in gnomAD and is interpreted in ClinVar as pathogenic/likely pathogenic (Variation ID: 128071). This variant is interpreted as likely pathogenic.

Cambridge Genomics Laboratory, East Genomic Laboratory Hub, NHS Genomic Medicine Service
Classification: Likely pathogenic for Inherited breast cancer and ovarian cancer. Last evaluated: 2026-05-07. Review status: criteria provided, single submitter. Criteria: ACGS Best Practice Guidelines for Variant Classification in Rare Disease 2020. Collection method: clinical testing. Allele origin: germline. Affected: yes.
Comment: PS3_Supporting,PS4,PP3

Hema, HEMA – Genetic and Molecular Diagnostic Laboratory
Classification: Likely pathogenic for CHEK2-related cancer predisposition. Last evaluated: 2026-05-04. Review status: criteria provided, single submitter. Criteria: HEMA Variant Classification Assertion Criteria. Collection method: clinical testing. Allele origin: germline.
Comment: The c.349A>G p.(Arg117Gly) variant is a transition from thymine to cytosine, resulting in the substitution of arginine 117 with glycine. PS4: The prevalence of the variant is significantly increased in individuals with breast cancer compared to controls (OR = 2.94, 95% CI: 1.82-4.73, PMID: 33471991; OR = 2.71, 95% CI: 1.81-4.07, PMID: 37449874). PS3_Moderate: Functional studies demonstrated that the variant has a deleterious effect on protein function (PMID: 37449874). PP3_Moderate: The computational meta-predictor REVEL score = 0.93 ≥ 0.773, indicating that the variant would affect the function of the CHEK2 protein.

Genomics and Molecular Medicine Service, East Genomic Laboratory Hub, NHS Genomic Medicine Service
Classification: Likely pathogenic for Inherited breast cancer and ovarian cancer. Last evaluated: 2026-02-13. Review status: criteria provided, single submitter. Criteria: ACGS Best Practice Guidelines for Variant Classification in Rare Disease 2020. Collection method: clinical testing. Allele origin: germline. Affected: yes.
Comment: the same text as in the submission from Cambridge Genomics Laboratory, East Genomic Laboratory Hub, NHS Genomic Medicine Service above.

Labcorp Genetics (formerly Invitae), Labcorp
Classification: Pathogenic for Familial cancer of breast. Last evaluated: 2026-02-03. Review status: criteria provided, single submitter. Criteria: Invitae Variant Classification Sherloc (09022015). Collection method: clinical testing. Allele origin: germline.
Comment: This sequence change replaces arginine, which is basic and polar, with glycine, which is neutral and non-polar, at codon 117 of the CHEK2 protein (p.Arg117Gly). This variant is present in population databases (rs28909982, gnomAD 0.02%). This missense change has been observed in individual(s) with CHEK2-related cancers (PMID: 12454775, 12610780, 21244692, 28503720). It has also been observed to segregate with disease in related individuals. ClinVar contains an entry for this variant (Variation ID: 128071). An algorithm developed to predict the effect of missense changes on protein structure and function (PolyPhen-2) suggests that this variant is likely to be disruptive. Experimental studies have shown that this missense change affects CHEK2 function (PMID: 16982735, 18725878, 22419737). For these reasons, this variant has been classified as Pathogenic.

CeGaT Center for Human Genetics Tuebingen
Classification: Pathogenic. Last evaluated: 2026-01-01. Review status: criteria provided, single submitter. Criteria: CeGaT Center For Human Genetics Tuebingen Variant Classification Criteria Version 2. Collection method: clinical testing. Allele origin: germline. Affected: yes. Observed: 9 variant alleles.
Comment: CHEK2: PP1:Strong, PS4, PS3:Moderate

Center for Genomic Medicine, Rigshospitalet, Copenhagen University Hospital
Classification: Likely pathogenic. Last evaluated: 2025-12-29. Review status: criteria provided, single submitter. Criteria: ACMG Guidelines, 2015. Collection method: clinical testing. Allele origin: germline.

Catlab - Consorci Sanitari de Terrassa
Classification: Likely pathogenic for Hereditary cancer-predisposing syndrome. Last evaluated: 2025-11-06. Review status: criteria provided, single submitter. Criteria: CanVIG CHEK2 V1.3. Collection method: clinical testing. Allele origin: germline.
Comment: Based on the currently available information, this variant is classified as Likely Pathogenic according to CanVIG-CHEK2 v1.3 guidelines. ACMG criteria: PP3, PS3_mod, PS4.

Institute of Human Genetics, University of Leipzig Medical Center
Classification: Likely pathogenic for CHEK2-related cancer predisposition. Last evaluated: 2025-10-30. Review status: criteria provided, single submitter. Criteria: ACMG Guidelines, 2015. Collection method: clinical testing. Allele origin: maternal. Inheritance: Autosomal dominant inheritance. Affected: yes.
Comment: Criteria applied: PS3,PS4_MOD,PP3_MOD

Otogenetics
Classification: Pathogenic for CHEK2-related cancer predisposition. Last evaluated: 2025-10-30. Review status: criteria provided, single submitter. Criteria: ACMG Guidelines, 2015. Collection method: clinical testing. Allele origin: germline.
Comment: PS3: Well-established in vitro and in vivo functional studies supportive of damaging effect on the gene product (PMID: 16982735, 18725978, 22419737); PS4: Prevalence of the variant in affected individuals is significantly increased compared to the prevalence in controls: three case-control studies investigating CHEK2 missense mutations indicate this mutation has an OR > 2, with valid confidence intervals and p-values < 0.005 (PMID: 27595995, 34903604, 37449874); PM2: Maximum gnomAD MAF of 0.0186% in European-Non Finnish (NFE) subpopulation (<0.248% threshold); PP3: In-silico models predict deleterious effect (Revel = 0.93, BayesDel = 0.54)

NM_007194.4(CHEK2):c.349A>G (p.Arg117Gly)

Gene: CHEK2 (checkpoint kinase 2; minus strand). Cytogenetic location: 22q12.1.
Variant type: single nucleotide variant.
Coding change: c.349A>G on transcript NM_007194.4 (MANE Select); coding-DNA position 349, A replaced by G.
Protein change: p.Arg117Gly; replaces arginine 117 with glycine.
Molecular consequence: missense variant.
Genome position (GRCh38, 1-based): chr22:28,725,338, T>C on the plus strand (A>G on the coding strand, the complement: CHEK2 is on the minus strand). VCF-style: chr22-28725338-T-C. GRCh37 (hg19) VCF-style: chr22-29121326-T-C.
Other names: p.R117G:AGG>GGG; c.478A>G, p.Arg160Gly (NM_001005735.3); c.-429A>G (NM_001257387.3); c.349A>G, p.Arg117Gly (NM_001349956.3, NM_145862.3); short protein forms R117G, R160G.
Identifiers: ClinVar variation 128071 (VCV000128071.134), dbSNP rs28909982, ClinGen allele CA288301.
Genomic context (GRCh38, chr22:28,725,338, plus strand): 5'-GGTATTTATCTGTTCTTTTCAGCAGTGGTTCATCAAAGCAATATTCACAGCTTTTGTCCC[T>C]CCCAAACCAGTAGTTGTCATTCACACATTCTGTAATATAAAAGCATGCATCAGAGGGCTG-3'
Protein context (NP_009125.1, residues 107-127): ECVNDNYWFG[Arg117Gly]DKSCEYCFDE